The following is an entry in ClinVar:

ClinVar aggregate classification (germline): Benign (1 of 4 stars; one submission).

Allele frequency attached by ClinVar (database versions not stated): 1000 Genomes Project 0.25140; 1000 Genomes Project 30x 0.25234; TOPMed 0.28939; gnomAD 0.29988 and 0.30063; gnomAD exomes 0.30168 and 0.34283; ExAC 0.30448; ESP Exome Variant Server 0.31826.

Submission:

Laboratory for Molecular Medicine, Mass General Brigham Personalized Medicine
Classification: Benign. Last evaluated: 2016-03-28. Review status: criteria provided, single submitter. Criteria: LMM Criteria. Collection method: clinical testing. Allele origin: germline.
Comment: Variant identified in a genome or exome case(s) and assessed due to predicted null impact of the variant or pathogenic assertions in the literature or databases. Disclaimer: This variant has not undergone full assessment. The following are preliminary notes: Frequency

NM_002421.4(MMP1):c.900-8dup

Gene: MMP1 (matrix metallopeptidase 1; minus strand). Cytogenetic location: 11q22.2.
Variant type: Duplication.
Coding change: c.900-8dup on transcript NM_002421.4 (MANE Select); 8 bases into the intron before coding-DNA position 900, one base duplicated (C; older notation c.900-8dupC).
Molecular consequence: intron variant.
Genome position (GRCh38, 1-based): chr11:102,792,746, G duplicated on the plus strand (C on the coding strand, the reverse complement: MMP1 is on the minus strand). VCF-style (leftmost placement, unchanged base first): chr11-102792745-A-AG. GRCh37 (hg19) VCF-style: chr11-102663476-A-AG.
Other names: c.702-8dup (NM_001145938.2).
Identifiers: ClinVar variation 403089 (VCV000403089.4), dbSNP rs17884110, ClinGen allele CA6250470.